The following is an entry in ClinVar:

ClinVar aggregate classification (germline): Pathogenic (1 of 4 stars; one submission).

Conditions:
Gray platelet syndrome (GPS). Also called: BLEEDING DISORDER, PLATELET-TYPE, 4. Identifiers: Orphanet 721, MedGen C0272302, MONDO:0007686, OMIM 139090.

Submission:

Women's Health and Genetics/Laboratory Corporation of America, LabCorp
Classification: Pathogenic for Gray platelet syndrome. Last evaluated: 2025-02-07. Review status: criteria provided, single submitter. Criteria: LabCorp Variant Classification Summary - May 2015. Collection method: clinical testing. Allele origin: germline.
Comment: Variant summary: The variant involves the deletion of exon 1 in the NBEAL2 gene. A presumed nomenclature of c.(?_-197)_(51+1_52-1)del has been designated for the purposes of this classification. The exact breakpoint at the 5' end of this variant is unknown, therefore this deletion may extend upstream of the annotated region of this gene. Although the exact breakpoints of this deletion are not known, it is predicted to remove the initiation codon and result in an absence of protein or a truncation of the encoded protein due to translation initiation at a downstream site. The variant was absent in 21100 control chromosomes. To our knowledge, no occurrence of c.(?_-197)_(51+1_52-1)del in individuals affected with Gray Platelet Syndrome and no experimental evidence demonstrating its impact on protein function have been reported. No submitters have cited clinical-significance assessments for this variant to ClinVar. Based on the evidence outlined above, the variant was classified as pathogenic.

NC_000003.11:g.(?_47021155)_(47021403_47030158)del

Gene: NBEAL2 (neurobeachin like 2; plus strand). Cytogenetic location: 3p21.31.
Variant type: Deletion.
Identifiers: ClinVar variation 3768691 (VCV003768691.1).